The following is an entry in ClinVar:

NM_000059.4(BRCA2):c.3252T>G (p.Ser1084Arg)

Gene: BRCA2 (BRCA2 DNA repair associated; plus strand). Cytogenetic location: 13q13.1.
Variant type: single nucleotide variant.
Coding change: c.3252T>G on transcript NM_000059.4 (MANE Select); coding-DNA position 3252, T replaced by G.
Protein change: p.Ser1084Arg; replaces serine 1084 with arginine.
Molecular consequence: missense variant.
Genome position (GRCh38, 1-based): chr13:32,337,607, T>G. VCF-style: chr13-32337607-T-G. GRCh37 (hg19) VCF-style: chr13-32911744-T-G.
Other names: short protein forms S1084R.
Identifiers: ClinVar variation 409466 (VCV000409466.15), dbSNP rs1060502412, ClinGen allele CA16614266.

ClinVar aggregate classification (germline): Conflicting classifications of pathogenicity. Review status: criteria provided, conflicting classifications (1 of 4 stars). 4 submissions from 4 submitters: Uncertain significance (3); Likely benign (1). Last evaluated 2024-03-15.

Conditions:
Hereditary cancer-predisposing syndrome. Also called: Hereditary neoplastic syndrome; Neoplastic Syndromes, Hereditary; Tumor predisposition; Hereditary Cancer Syndrome. Identifiers: Orphanet 140162, MedGen C0027672, MeSH D009386, MONDO:0015356.
Hereditary breast ovarian cancer syndrome. Also called: Hereditary breast and ovarian cancer syndrome; Hereditary breast and/or ovarian cancer syndrome; BRCA1- and BRCA2-Associated Hereditary Breast and Ovarian Cancer; Hereditary breast and ovarian cancer syndrome (HBOC); Hereditary breast and ovarian cancer; Breast and ovarian cancer. Identifiers: Orphanet 145, MedGen C0677776, MeSH D061325, MONDO:0003582. Disease mechanism: loss of function.
Breast-ovarian cancer, familial, susceptibility to, 2 (BROVCA2). Also called: BRCA2 Hereditary Breast and Ovarian Cancer. Identifiers: Orphanet 145, MedGen C2675520, MONDO:0012933, OMIM 612555. Disease mechanism: loss of function.

Submissions (4):

Labcorp Genetics (formerly Invitae), Labcorp
Classification: Uncertain significance for Hereditary breast ovarian cancer syndrome. Last evaluated: 2024-03-15. Review status: criteria provided, single submitter. Criteria: Invitae Variant Classification Sherloc (09022015). Collection method: clinical testing. Allele origin: germline.
Comment: This sequence change replaces serine, which is neutral and polar, with arginine, which is basic and polar, at codon 1084 of the BRCA2 protein (p.Ser1084Arg). This variant is not present in population databases (gnomAD no frequency). This variant has not been reported in the literature in individuals affected with BRCA2-related conditions. ClinVar contains an entry for this variant (Variation ID: 409466). Advanced modeling of protein sequence and biophysical properties (such as structural, functional, and spatial information, amino acid conservation, physicochemical variation, residue mobility, and thermodynamic stability) performed at Invitae indicates that this missense variant is not expected to disrupt BRCA2 protein function with a negative predictive value of 95%. In summary, the available evidence is currently insufficient to determine the role of this variant in disease. Therefore, it has been classified as a Variant of Uncertain Significance.

All of Us Research Program, National Institutes of Health
Classification: Uncertain significance for Breast-ovarian cancer, familial, susceptibility to, 2. Last evaluated: 2023-12-18. Review status: criteria provided, single submitter. Criteria: ACMG Guidelines, 2015. Collection method: clinical testing. Allele origin: germline. Inheritance: Autosomal dominant inheritance. Observed: 1 variant allele, 1 heterozygote.
Comment: This missense variant replaces serine with arginine at codon 1084 of the BRCA2 protein. Computational prediction suggests that this variant may not impact protein structure and function (internally defined REVEL score threshold <= 0.5, PMID: 27666373). To our knowledge, functional studies have not been reported for this variant. This variant has not been reported in individuals affected with BRCA2-related disorders in the literature. This variant has not been identified in the general population by the Genome Aggregation Database (gnomAD). The available evidence is insufficient to determine the role of this variant in disease conclusively. Therefore, this variant is classified as a Variant of Uncertain Significance.

This study involves interpretation of variants in research participants for the purpose of population health screening. Participant phenotype was not available at the time of variant classification. Additional details can be found in publication PMID: 35346344, PMCID: PMC8962531

University of Washington Department of Laboratory Medicine, University of Washington
Classification: Likely benign for Hereditary cancer-predisposing syndrome. Last evaluated: 2023-03-23. Review status: criteria provided, single submitter. Criteria: Dines et al. (Genet Med. 2020). Collection method: curation. Allele origin: germline.
Comment: Missense variant in a coldspot region where missense variants are very unlikely to be pathogenic (PMID:31911673).

BRCA2 exon 11 coldspot. Reclassification based on statistical prior probability.

Ambry Genetics
Classification: Uncertain significance for Hereditary cancer-predisposing syndrome. Last evaluated: 2022-01-06. Review status: criteria provided, single submitter. Criteria: Ambry Variant Classification Scheme 2023. Collection method: clinical testing. Allele origin: germline.
Comment: The p.S1084R variant (also known as c.3252T>G), located in coding exon 10 of the BRCA2 gene, results from a T to G substitution at nucleotide position 3252. The serine at codon 1084 is replaced by arginine, an amino acid with dissimilar properties. This amino acid position is not well conserved in available vertebrate species. In addition, this alteration is predicted to be tolerated by in silico analysis. Since supporting evidence is limited at this time, the clinical significance of this alteration remains unclear.